The following is an entry in ClinVar:

NM_001318895.3(FHL2):c.689-2A>G

Genes: C2orf49 (chromosome 2 open reading frame 49; plus strand), FHL2 (four and a half LIM domains 2; minus strand). Cytogenetic location: 2q12.2.
Variant type: single nucleotide variant.
Coding change: c.689-2A>G on transcript NM_001318895.3 (MANE Select); the canonical splice acceptor site of the intron before coding-DNA position 689, A replaced by G.
Molecular consequence: splice acceptor variant.
Genome position (GRCh38, 1-based): chr2:105,361,436, T>C on the plus strand (A>G on the coding strand, the complement: FHL2 is on the minus strand). VCF-style: chr2-105361436-T-C. GRCh37 (hg19) VCF-style: chr2-105977893-T-C.
Other names: c.347-2A>G (NM_001318897.2, NM_001318898.2); c.689-2A>G (NM_001318896.2, NM_001039492.3, NM_001450.4 and 4 more transcripts); c.365-2A>G (NM_001318899.2).
Identifiers: ClinVar variation 1013659 (VCV001013659.5), dbSNP rs1231396526, ClinGen allele CA347995618.

ClinVar aggregate classification (germline): Uncertain significance (1 of 4 stars; one submission).

Conditions:
Primary dilated cardiomyopathy (DCM). Also called: Dilated Cardiomyopathy. Identifiers: Orphanet 217604, MedGen C0007193, MeSH D002311, MONDO:0005021, HP:0001644. Inheritance: Various modes of inheritance.

Allele frequency attached by ClinVar (database versions not stated): gnomAD exomes below 0.00001 and 0.00001.
gnomAD v4.1: 18 of 1,610,988 alleles (0.0011%); highest among the groups gnomAD compares: Non-Finnish European, 0.0014%; no homozygotes.

Submission:

Labcorp Genetics (formerly Invitae), Labcorp
Classification: Uncertain significance for Primary dilated cardiomyopathy. Last evaluated: 2022-09-12. Review status: criteria provided, single submitter. Criteria: Invitae Variant Classification Sherloc (09022015). Collection method: clinical testing. Allele origin: germline.
Comment: In summary, the available evidence is currently insufficient to determine the role of this variant in disease. Therefore, it has been classified as a Variant of Uncertain Significance. Algorithms developed to predict the effect of sequence changes on RNA splicing suggest that this variant may disrupt the consensus splice site. ClinVar contains an entry for this variant (Variation ID: 1013659). This variant has not been reported in the literature in individuals affected with FHL2-related conditions. This variant is present in population databases (no rsID available, gnomAD 0.003%). This sequence change affects an acceptor splice site in intron 7 of the FHL2 gene. It is expected to disrupt RNA splicing. Variants that disrupt the donor or acceptor splice site typically lead to a loss of protein function (PMID: 16199547), however the current clinical and genetic evidence is not sufficient to establish whether loss-of-function variants in FHL2 cause disease.

Literature cited by the submitters: PubMed 16199547.